The following is an entry in ClinVar:

ClinVar aggregate classification (germline): Uncertain significance. Review status: criteria provided, multiple submitters, no conflicts (2 of 4 stars). 2 submissions from 2 submitters: Uncertain significance (2). Last evaluated 2025-01-06.

Conditions:
Inborn genetic diseases. Identifiers: MedGen C0950123, MeSH D030342.

gnomAD v4.1: 13 of 1,613,748 alleles (0.00081%); highest among the groups gnomAD compares: Non-Finnish European, 0.0011%; no homozygotes.

Submissions (2):

Ambry Genetics
Classification: Uncertain significance for Inborn genetic diseases. Last evaluated: 2025-01-06. Review status: criteria provided, single submitter. Criteria: Ambry Variant Classification Scheme 2023. Collection method: clinical testing. Allele origin: germline.
Comment: The p.K620R variant (also known as c.1859A>G), located in coding exon 1 of the SAMD9 gene, results from an A to G substitution at nucleotide position 1859. The lysine at codon 620 is replaced by arginine, an amino acid with highly similar properties. This amino acid position is conserved. In addition, this alteration is predicted to be tolerated by in silico analysis. Based on the available evidence, the clinical significance of this variant remains unclear.

Labcorp Genetics (formerly Invitae), Labcorp
Classification: Uncertain significance. Last evaluated: 2024-11-24. Review status: criteria provided, single submitter. Criteria: Invitae Variant Classification Sherloc (09022015). Collection method: clinical testing. Allele origin: germline.
Comment: This sequence change replaces lysine, which is basic and polar, with arginine, which is basic and polar, at codon 620 of the SAMD9 protein (p.Lys620Arg). This variant is not present in population databases (gnomAD no frequency). This variant has not been reported in the literature in individuals affected with SAMD9-related conditions. Invitae Evidence Modeling of protein sequence and biophysical properties (such as structural, functional, and spatial information, amino acid conservation, physicochemical variation, residue mobility, and thermodynamic stability) has been performed for this missense variant. However, the output from this modeling did not meet the statistical confidence thresholds required to predict the impact of this variant on SAMD9 protein function. In summary, the available evidence is currently insufficient to determine the role of this variant in disease. Therefore, it has been classified as a Variant of Uncertain Significance.

NM_017654.4(SAMD9):c.1859A>G (p.Lys620Arg)

Gene: SAMD9 (sterile alpha motif domain containing 9; minus strand). Cytogenetic location: 7q21.2.
Variant type: single nucleotide variant.
Coding change: c.1859A>G on transcript NM_017654.4 (MANE Select); coding-DNA position 1859, A replaced by G.
Protein change: p.Lys620Arg; replaces lysine 620 with arginine.
Molecular consequence: missense variant.
Genome position (GRCh38, 1-based): chr7:93,104,239, T>C on the plus strand (A>G on the coding strand, the complement: SAMD9 is on the minus strand). VCF-style: chr7-93104239-T-C. GRCh37 (hg19) VCF-style: chr7-92733552-T-C.
Other names: c.1859A>G (NM_017654.3); c.1859A>G, p.Lys620Arg (NM_001193307.2); short protein forms K620R.
Identifiers: ClinVar variation 3679368 (VCV003679368.3).